The following is an entry in ClinVar:

ClinVar aggregate classification (germline): Likely benign. Review status: criteria provided, multiple submitters, no conflicts (2 of 4 stars). 3 submissions from 3 submitters: Likely benign (3). Last evaluated 2026-02-25.

Conditions:
PLEC-related disorder. Also called: PLEC-related condition; PLEC-related disorders.
Autosomal recessive limb-girdle muscular dystrophy type 2Q (LGMDR17). Also called: MUSCULAR DYSTROPHY, LIMB-GIRDLE, AUTOSOMAL RECESSIVE 17. Identifiers: Orphanet 254361, MedGen C3150989, MONDO:0013390, OMIM 613723.
Epidermolysis bullosa simplex 5B, with muscular dystrophy (EBS5B). Also called: EPIDERMOLYSIS BULLOSA SIMPLEX AND LIMB-GIRDLE MUSCULAR DYSTROPHY; Epidermolysis bullosa simplex with muscular dystrophy. Identifiers: Orphanet 257, MedGen C2931072, MONDO:0009181, OMIM 226670.
Epidermolysis bullosa simplex with nail dystrophy (EBS5D). Identifiers: MedGen C4225309, MONDO:0014661, OMIM 616487.
Epidermolysis bullosa simplex 5C, with pyloric atresia (EBS5C). Also called: PLEC-Related Epidermolysis Bullosa with Pyloric Atresia; Epidermolysis bullosa simplex with pyloric atresia; PLEC1-Related Epidermolysis Bullosa with Pyloric Atresia. Identifiers: Orphanet 158684, MedGen C2677349, MONDO:0012807, OMIM 612138.
Epidermolysis bullosa simplex, Ogna type (EBS5A). Also called: EPIDERMOLYSIS BULLOSA SIMPLEX 5A, OGNA TYPE; Pidermolysis bullosa simplex 5A, Ogna type. Identifiers: Orphanet 79401, MedGen C0432317, MONDO:0007555, OMIM 131950.

Allele frequency attached by ClinVar (database versions not stated): TOPMed 0.00002; gnomAD 0.00004; ExAC 0.00007; gnomAD exomes 0.00007 and 0.00011.
gnomAD v4.1: 160 of 1,590,856 alleles (0.01%); highest among the groups gnomAD compares: Non-Finnish European, 0.012%; no homozygotes.

Submissions (3):

PreventionGenetics, part of Exact Sciences
Classification: Likely benign for PLEC-related condition. Last evaluated: 2026-02-25. Review status: criteria provided, single submitter. Criteria: ACMG Guidelines, 2015. Collection method: clinical testing. Allele origin: germline.
Comment: This variant is classified as likely benign based on ACMG/AMP sequence variant interpretation guidelines (Richards et al. 2015 PMID: 25741868, with internal and published modifications).

Labcorp Genetics (formerly Invitae), Labcorp
Classification: Likely benign for Autosomal recessive limb-girdle muscular dystrophy type 2Q; Epidermolysis bullosa simplex, Ogna type; Epidermolysis bullosa simplex with nail dystrophy; Epidermolysis bullosa simplex 5C, with pyloric atresia; Epidermolysis bullosa simplex 5B, with muscular dystrophy. Last evaluated: 2025-09-11. Review status: criteria provided, single submitter. Criteria: Invitae Variant Classification Sherloc (09022015). Collection method: clinical testing. Allele origin: germline.

GeneDx
Classification: Likely benign. Last evaluated: 2018-05-04. Review status: criteria provided, single submitter. Criteria: GeneDx Variant Classification (06012015). Collection method: clinical testing. Allele origin: germline. Affected: yes.
Comment: This variant is considered likely benign or benign based on one or more of the following criteria: it is a conservative change, it occurs at a poorly conserved position in the protein, it is predicted to be benign by multiple in silico algorithms, and/or has population frequency not consistent with disease.

NM_201384.3(PLEC):c.3399+10C>T

Gene: PLEC (plectin; minus strand). Cytogenetic location: 8q24.3.
Variant type: single nucleotide variant.
Coding change: c.3399+10C>T on transcript NM_201384.3 (MANE Select); 10 bases into the intron after coding-DNA position 3399, C replaced by T.
Molecular consequence: intron variant.
Genome position (GRCh38, 1-based): chr8:143,927,844, G>A on the plus strand (C>T on the coding strand, the complement: PLEC is on the minus strand). VCF-style: chr8-143927844-G-A. GRCh37 (hg19) VCF-style: chr8-145002012-G-A.
Other names: c.3480+10C>T (NM_000445.5); c.3357+10C>T (NM_201378.4); c.3333+10C>T (NM_201379.3); c.3810+10C>T (NM_201380.4); c.3303+10C>T (NM_201381.3); c.3399+10C>T (NM_201382.4); c.3411+10C>T (NM_201383.3).
Identifiers: ClinVar variation 668172 (VCV000668172.12), dbSNP rs782596342, ClinGen allele CA4927098.